The following is an entry in ClinVar:

NM_001364171.2(ODAD1):c.1600G>A (p.Ala534Thr)

Gene: ODAD1 (outer dynein arm docking complex subunit 1; minus strand). Cytogenetic location: 19q13.33.
Variant type: single nucleotide variant.
Coding change: c.1600G>A on transcript NM_001364171.2 (MANE Select); coding-DNA position 1600, G replaced by A.
Protein change: p.Ala534Thr; replaces alanine 534 with threonine.
Molecular consequence: missense variant.
Genome position (GRCh38, 1-based): chr19:48,297,500, C>T on the plus strand (G>A on the coding strand, the complement: ODAD1 is on the minus strand). VCF-style: chr19-48297500-C-T. GRCh37 (hg19) VCF-style: chr19-48800757-C-T.
Other names: c.1489G>A, p.Ala497Thr (NM_144577.4); short protein forms A497T, A534T.
Identifiers: ClinVar variation 1682863 (VCV001682863.8), dbSNP rs761328296, ClinGen allele CA9548618.

ClinVar aggregate classification (germline): Uncertain significance (1 of 4 stars; one submission).

Conditions:
Primary ciliary dyskinesia. Also called: Ciliary dyskinesia. Identifiers: Orphanet 244, MedGen C0008780, MONDO:0016575, HP:0012265.

Allele frequency attached by ClinVar (database versions not stated): gnomAD exomes below 0.00001; ExAC 0.00001; gnomAD 0.00001; TOPMed 0.00002.
gnomAD v4.1: 2 of 1,604,574 alleles (0.00012%); highest among the groups gnomAD compares: African/African-American, 0.0013%; no homozygotes.

Submission:

Labcorp Genetics (formerly Invitae), Labcorp
Classification: Uncertain significance for Primary ciliary dyskinesia. Last evaluated: 2022-06-20. Review status: criteria provided, single submitter. Criteria: Invitae Variant Classification Sherloc (09022015). Collection method: clinical testing. Allele origin: germline.
Comment: In summary, the available evidence is currently insufficient to determine the role of this variant in disease. Therefore, it has been classified as a Variant of Uncertain Significance. Algorithms developed to predict the effect of missense changes on protein structure and function are either unavailable or do not agree on the potential impact of this missense change (SIFT: "Tolerated"; PolyPhen-2: "Possibly Damaging"; Align-GVGD: "Class C0"). This variant has not been reported in the literature in individuals affected with CCDC114-related conditions. This variant is present in population databases (rs761328296, gnomAD 0.007%). This sequence change replaces alanine, which is neutral and non-polar, with threonine, which is neutral and polar, at codon 497 of the CCDC114 protein (p.Ala497Thr).